The following is an entry in ClinVar:

NM_000180.4(GUCY2D):c.346T>C (p.Ser116Pro)

Gene: GUCY2D (guanylate cyclase 2D, retinal; plus strand). Cytogenetic location: 17p13.1.
Variant type: single nucleotide variant.
Coding change: c.346T>C on transcript NM_000180.4 (MANE Select); coding-DNA position 346, T replaced by C.
Protein change: p.Ser116Pro; replaces serine 116 with proline.
Molecular consequence: missense variant.
Genome position (GRCh38, 1-based): chr17:8,003,393, T>C. VCF-style: chr17-8003393-T-C. GRCh37 (hg19) VCF-style: chr17-7906711-T-C.
Other names: short protein forms S116P.
Identifiers: ClinVar variation 1525118 (VCV001525118.8), dbSNP rs2151799381, ClinGen allele CA397943232.

ClinVar aggregate classification (germline): Uncertain significance (1 of 4 stars; one submission).

Conditions:
Cone-rod dystrophy 6 (CORD6). Also called: RETINAL CONE DYSTROPHY 2; Cone dystrophy progressive. Identifiers: Orphanet 1872, MedGen C1866293, MONDO:0011143, OMIM 601777.
Leber congenital amaurosis 1 (LCA1). Also called: AMAUROSIS CONGENITA OF LEBER I; RETINAL BLINDNESS, CONGENITAL; Congenital absence of the rods and cones; Leber's congenital tapetoretinal degeneration; Leber's congenital tapetoretinal dysplasia. Identifiers: Orphanet 65, MedGen C2931258, MONDO:0008764, OMIM 204000.

gnomAD v4.1: 4 of 1,483,668 alleles (0.00027%); highest among the groups gnomAD compares: Non-Finnish European, 0.00036%; no homozygotes.

Submission:

Labcorp Genetics (formerly Invitae), Labcorp
Classification: Uncertain significance for Leber congenital amaurosis 1; Cone-rod dystrophy 6. Last evaluated: 2022-10-24. Review status: criteria provided, single submitter. Criteria: Invitae Variant Classification Sherloc (09022015). Collection method: clinical testing. Allele origin: germline.
Comment: In summary, the available evidence is currently insufficient to determine the role of this variant in disease. Therefore, it has been classified as a Variant of Uncertain Significance. Advanced modeling of protein sequence and biophysical properties (such as structural, functional, and spatial information, amino acid conservation, physicochemical variation, residue mobility, and thermodynamic stability) performed at Invitae indicates that this missense variant is not expected to disrupt GUCY2D protein function. ClinVar contains an entry for this variant (Variation ID: 1525118). This variant has not been reported in the literature in individuals affected with GUCY2D-related conditions. This variant is not present in population databases (gnomAD no frequency). This sequence change replaces serine, which is neutral and polar, with proline, which is neutral and non-polar, at codon 116 of the GUCY2D protein (p.Ser116Pro).